The following is an entry in ClinVar:

NM_000014.6(A2M):c.387C>G (p.Val129=)

Genes: A2M (alpha-2-macroglobulin; minus strand), KLRG1 (killer cell lectin like receptor G1; plus strand). Cytogenetic location: 12p13.31.
Variant type: single nucleotide variant.
Coding change: c.387C>G on transcript NM_000014.6 (MANE Select); coding-DNA position 387, C replaced by G.
Protein change: p.Val129=; no amino-acid change (valine 129 retained).
Molecular consequence: synonymous variant. On other transcripts: intron variant (1).
Genome position (GRCh38, 1-based): chr12:9,112,420, G>C on the plus strand (C>G on the coding strand, the complement: A2M is on the minus strand). VCF-style: chr12-9112420-G-C. GRCh37 (hg19) VCF-style: chr12-9265016-G-C.
Other names: NC_000012.11:g.9265016G>C; c.387C>G, p.Val129= (NM_001347423.2); c.87C>G, p.Val29= (NM_001347424.2); c.-20-209C>G (NM_001347425.2).
Identifiers: ClinVar variation 777428 (VCV000777428.25), dbSNP rs56202499, ClinGen allele CA6438984.
Genomic context (GRCh38, chr12:9,112,420, plus strand): 5'-TGTAGGCTTCTTCATACCTGTCTGCCCTGGTTTGTAGATTGATTTGTCTGTCTGGACAAA[G>C]ACCAGACTGTCCTCGTTCTTAACCATCACTGTGGTCCGCTTCTTAAATTCTTGGGTTGGT-3'
Protein context (NP_000005.3, residues 119-139): TVMVKNEDSL[Val129=]FVQTDKSIYK

ClinVar aggregate classification (germline): Benign. Review status: criteria provided, multiple submitters, no conflicts (2 of 4 stars). 3 submissions from 3 submitters: Benign (3). Last evaluated 2024-04-01.

Allele frequency attached by ClinVar (database versions not stated): 1000 Genomes Project 0.00280; 1000 Genomes Project 30x 0.00328; ESP Exome Variant Server 0.00598; gnomAD 0.00695 and 0.00712; ExAC 0.00719; gnomAD exomes 0.00727; TOPMed 0.00776.
gnomAD v4.1: 14,090 of 1,613,882 alleles (0.87%); highest among the groups gnomAD compares: Middle Eastern, 1.4%; 93 homozygotes.

Submissions (35):

CeGaT Center for Human Genetics Tuebingen
Classification: Benign. Last evaluated: 2024-04-01. Review status: criteria provided, single submitter. Criteria: CeGaT Center For Human Genetics Tuebingen Variant Classification Criteria Version 2. Collection method: clinical testing. Allele origin: germline. Affected: yes. Observed: 1 variant allele.
Comment: A2M: BP4, BP7, BS1, BS2

Labcorp Genetics (formerly Invitae), Labcorp
Classification: Benign. Last evaluated: 2018-07-15. Review status: criteria provided, single submitter. Criteria: Invitae Variant Classification Sherloc (09022015). Collection method: clinical testing. Allele origin: germline.

Breakthrough Genomics
Classification: Benign. Review status: criteria provided, single submitter. Criteria: ACMG Guidelines, 2015. Collection method: not provided. Allele origin: germline. Inheritance: Unknown mechanism. Affected: yes.

Dr. Peter K. Rogan Lab, Western University
No classification provided (evidence only). Condition: Clear cell carcinoma of kidney. Review status: no classification provided. Collection method: in vitro. Allele origin: not applicable. Functional consequence: retained intron. Not counted in ClinVar's aggregate classification.

Dr. Peter K. Rogan Lab, Western University
No classification provided (evidence only). Condition: Clear cell carcinoma of kidney. Review status: no classification provided. Collection method: in vitro. Allele origin: not applicable. Functional consequence: retained intron. Not counted in ClinVar's aggregate classification.

Dr. Peter K. Rogan Lab, Western University
No classification provided (evidence only). Condition: Clear cell carcinoma of kidney. Review status: no classification provided. Collection method: in vitro. Allele origin: not applicable. Functional consequence: retained intron. Not counted in ClinVar's aggregate classification.

Dr. Peter K. Rogan Lab, Western University
No classification provided (evidence only). Condition: Clear cell carcinoma of kidney. Review status: no classification provided. Collection method: in vitro. Allele origin: not applicable. Functional consequence: retained intron. Not counted in ClinVar's aggregate classification.

Dr. Peter K. Rogan Lab, Western University
No classification provided (evidence only). Condition: Clear cell carcinoma of kidney. Review status: no classification provided. Collection method: in vitro. Allele origin: not applicable. Functional consequence: retained intron. Not counted in ClinVar's aggregate classification.

Dr. Peter K. Rogan Lab, Western University
No classification provided (evidence only). Condition: Clear cell carcinoma of kidney. Review status: no classification provided. Collection method: in vitro. Allele origin: not applicable. Functional consequence: retained intron. Not counted in ClinVar's aggregate classification.

Dr. Peter K. Rogan Lab, Western University
No classification provided (evidence only). Condition: Clear cell carcinoma of kidney. Review status: no classification provided. Collection method: in vitro. Allele origin: not applicable. Functional consequence: retained intron. Not counted in ClinVar's aggregate classification.

Dr. Peter K. Rogan Lab, Western University
No classification provided (evidence only). Condition: Clear cell carcinoma of kidney. Review status: no classification provided. Collection method: in vitro. Allele origin: not applicable. Functional consequence: retained intron. Not counted in ClinVar's aggregate classification.

Dr. Peter K. Rogan Lab, Western University
No classification provided (evidence only). Condition: Clear cell carcinoma of kidney. Review status: no classification provided. Collection method: in vitro. Allele origin: not applicable. Functional consequence: retained intron. Not counted in ClinVar's aggregate classification.

Dr. Peter K. Rogan Lab, Western University
No classification provided (evidence only). Condition: Lung cancer. Review status: no classification provided. Collection method: in vitro. Allele origin: not applicable. Functional consequence: skipped exon, retained intron. Not counted in ClinVar's aggregate classification.

Dr. Peter K. Rogan Lab, Western University
No classification provided (evidence only). Condition: Lung cancer. Review status: no classification provided. Collection method: in vitro. Allele origin: not applicable. Functional consequence: skipped exon, retained intron. Not counted in ClinVar's aggregate classification.

Dr. Peter K. Rogan Lab, Western University
No classification provided (evidence only). Condition: Melanoma. Review status: no classification provided. Collection method: in vitro. Allele origin: not applicable. Functional consequence: retained intron. Not counted in ClinVar's aggregate classification.

Dr. Peter K. Rogan Lab, Western University
No classification provided (evidence only). Condition: Melanoma. Review status: no classification provided. Collection method: in vitro. Allele origin: not applicable. Functional consequence: retained intron. Not counted in ClinVar's aggregate classification.

Dr. Peter K. Rogan Lab, Western University
No classification provided (evidence only). Condition: Melanoma. Review status: no classification provided. Collection method: in vitro. Allele origin: not applicable. Functional consequence: retained intron. Not counted in ClinVar's aggregate classification.

Dr. Peter K. Rogan Lab, Western University
No classification provided (evidence only). Condition: Acute myeloid leukemia. Review status: no classification provided. Collection method: in vitro. Allele origin: not applicable. Functional consequence: retained intron. Not counted in ClinVar's aggregate classification.

Dr. Peter K. Rogan Lab, Western University
No classification provided (evidence only). Condition: Colon adenocarcinoma. Review status: no classification provided. Collection method: in vitro. Allele origin: not applicable. Functional consequence: retained intron. Not counted in ClinVar's aggregate classification.

Dr. Peter K. Rogan Lab, Western University
No classification provided (evidence only). Condition: Colon adenocarcinoma. Review status: no classification provided. Collection method: in vitro. Allele origin: not applicable. Functional consequence: retained intron. Not counted in ClinVar's aggregate classification.

Dr. Peter K. Rogan Lab, Western University
No classification provided (evidence only). Condition: Colorectal cancer. Review status: no classification provided. Collection method: in vitro. Allele origin: not applicable. Functional consequence: retained intron. Not counted in ClinVar's aggregate classification.

Dr. Peter K. Rogan Lab, Western University
No classification provided (evidence only). Condition: Thyroid cancer, nonmedullary, 1. Review status: no classification provided. Collection method: in vitro. Allele origin: not applicable. Functional consequence: retained intron. Not counted in ClinVar's aggregate classification.

Dr. Peter K. Rogan Lab, Western University
No classification provided (evidence only). Condition: Thyroid cancer, nonmedullary, 1. Review status: no classification provided. Collection method: in vitro. Allele origin: not applicable. Functional consequence: retained intron. Not counted in ClinVar's aggregate classification.

Dr. Peter K. Rogan Lab, Western University
No classification provided (evidence only). Condition: Thyroid cancer, nonmedullary, 1. Review status: no classification provided. Collection method: in vitro. Allele origin: not applicable. Functional consequence: retained intron. Not counted in ClinVar's aggregate classification.

Dr. Peter K. Rogan Lab, Western University
No classification provided (evidence only). Condition: Thyroid cancer, nonmedullary, 1. Review status: no classification provided. Collection method: in vitro. Allele origin: not applicable. Functional consequence: retained intron. Not counted in ClinVar's aggregate classification.

Dr. Peter K. Rogan Lab, Western University
No classification provided (evidence only). Condition: Sarcoma. Review status: no classification provided. Collection method: in vitro. Allele origin: not applicable. Functional consequence: retained intron. Not counted in ClinVar's aggregate classification.

Dr. Peter K. Rogan Lab, Western University
No classification provided (evidence only). Condition: Hepatocellular carcinoma. Review status: no classification provided. Collection method: in vitro. Allele origin: not applicable. Functional consequence: retained intron. Not counted in ClinVar's aggregate classification.

Dr. Peter K. Rogan Lab, Western University
No classification provided (evidence only). Condition: Hepatocellular carcinoma. Review status: no classification provided. Collection method: in vitro. Allele origin: not applicable. Functional consequence: retained intron. Not counted in ClinVar's aggregate classification.

Dr. Peter K. Rogan Lab, Western University
No classification provided (evidence only). Condition: Hepatocellular carcinoma. Review status: no classification provided. Collection method: in vitro. Allele origin: not applicable. Functional consequence: retained intron. Not counted in ClinVar's aggregate classification.

Dr. Peter K. Rogan Lab, Western University
No classification provided (evidence only). Condition: Hepatocellular carcinoma. Review status: no classification provided. Collection method: in vitro. Allele origin: not applicable. Functional consequence: retained intron. Not counted in ClinVar's aggregate classification.

Dr. Peter K. Rogan Lab, Western University
No classification provided (evidence only). Condition: Thymoma. Review status: no classification provided. Collection method: in vitro. Allele origin: not applicable. Functional consequence: retained intron. Not counted in ClinVar's aggregate classification.

Dr. Peter K. Rogan Lab, Western University
No classification provided (evidence only). Condition: Gastric cancer. Review status: no classification provided. Collection method: in vitro. Allele origin: not applicable. Functional consequence: skipped exon, retained intron. Not counted in ClinVar's aggregate classification.

Dr. Peter K. Rogan Lab, Western University
No classification provided (evidence only). Condition: Gastric cancer. Review status: no classification provided. Collection method: in vitro. Allele origin: not applicable. Functional consequence: retained intron. Not counted in ClinVar's aggregate classification.

Dr. Peter K. Rogan Lab, Western University
No classification provided (evidence only). Condition: Uveal melanoma. Review status: no classification provided. Collection method: in vitro. Allele origin: not applicable. Functional consequence: retained intron. Not counted in ClinVar's aggregate classification.

Dr. Peter K. Rogan Lab, Western University
No classification provided (evidence only). Condition: Malignant tumor of esophagus. Review status: no classification provided. Collection method: in vitro. Allele origin: not applicable. Functional consequence: retained intron. Not counted in ClinVar's aggregate classification.